The following is an entry in ClinVar:

ClinVar aggregate classification (germline): Uncertain significance. Review status: criteria provided, multiple submitters, no conflicts (2 of 4 stars). 2 submissions from 2 submitters: Uncertain significance (2). Last evaluated 2022-03-17.

Conditions:
Muscular dystrophy-dystroglycanopathy (congenital with impaired intellectual development), type B, 1. Also called: Muscular dystrophy-dystroglycanopathy (congenital with intellectual disability), type B1; MUSCULAR DYSTROPHY, CONGENITAL, POMT1-RELATED. Identifiers: MedGen C5436962, MONDO:0013159, OMIM 613155.
Walker-Warburg congenital muscular dystrophy. Also called: Muscular dystrophy-dystroglycanopathy, type A; Walker-Warburg syndrome. Identifiers: Orphanet 899, MedGen C0265221, MONDO:0000171.
Autosomal recessive limb-girdle muscular dystrophy type 2K. Also called: MUSCULAR DYSTROPHY-DYSTROGLYCANOPATHY (LIMB-GIRDLE), TYPE C, 1; MUSCULAR DYSTROPHY, LIMB-GIRDLE, TYPE 2K. Identifiers: Orphanet 86812, MedGen C1836373, MONDO:0012248, OMIM 609308.

gnomAD v4.1: 7 of 1,608,332 alleles (0.00044%); highest among the groups gnomAD compares: Non-Finnish European, 0.00042%; no homozygotes.

Submissions (2):

Labcorp Genetics (formerly Invitae), Labcorp
Classification: Uncertain significance for Muscular dystrophy-dystroglycanopathy (congenital with impaired intellectual development), type B, 1; Walker-Warburg congenital muscular dystrophy; Autosomal recessive limb-girdle muscular dystrophy type 2K. Last evaluated: 2022-03-17. Review status: criteria provided, single submitter. Criteria: Invitae Variant Classification Sherloc (09022015). Collection method: clinical testing. Allele origin: germline.
Comment: This sequence change replaces valine, which is neutral and non-polar, with leucine, which is neutral and non-polar, at codon 712 of the POMT1 protein (p.Val712Leu). This variant is present in population databases (rs150209587, gnomAD 0.003%). This variant has not been reported in the literature in individuals affected with POMT1-related conditions. Algorithms developed to predict the effect of missense changes on protein structure and function (SIFT, PolyPhen-2, Align-GVGD) all suggest that this variant is likely to be tolerated. In summary, the available evidence is currently insufficient to determine the role of this variant in disease. Therefore, it has been classified as a Variant of Uncertain Significance.

Blueprint Genetics
Classification: Uncertain significance. Last evaluated: 2018-11-29. Review status: criteria provided, single submitter. Criteria: ACMG Guidelines, 2015. Collection method: clinical testing. Allele origin: germline.

NM_001077365.2(POMT1):c.2068G>T (p.Val690Leu)

Gene: POMT1 (protein O-mannosyltransferase 1; plus strand). Cytogenetic location: 9q34.13.
Variant type: single nucleotide variant.
Coding change: c.2068G>T on transcript NM_001077365.2 (MANE Select); coding-DNA position 2068, G replaced by T.
Protein change: p.Val690Leu; replaces valine 690 with leucine.
Molecular consequence: missense variant. On other transcripts: non-coding transcript variant (10).
Genome position (GRCh38, 1-based): chr9:131,522,996, G>T. VCF-style: chr9-131522996-G-T. GRCh37 (hg19) VCF-style: chr9-134398383-G-T.
Other names: c.1906G>T, p.Val636Leu (NM_001077366.2, NM_001353194.2); c.2068G>T, p.Val690Leu (NM_001136113.2); c.1717G>T, p.Val573Leu (NM_001136114.2, NM_001353195.2, NM_001374691.1 and 2 more transcripts); c.2134G>T, p.Val712Leu (NM_001353193.2, NM_007171.4); c.1978G>T, p.Val660Leu (NM_001353196.2); c.1972G>T, p.Val658Leu (NM_001353197.2, NM_001353198.2); c.1783G>T, p.Val595Leu (NM_001353199.2); c.1612G>T, p.Val538Leu (NM_001353200.2); and 4 more; short protein forms V538L, V686L, V690L, V560L, V636L, V712L, V573L, V595L.
Identifiers: ClinVar variation 2157150 (VCV002157150.5), dbSNP rs150209587, ClinGen allele CA5293929.